The following is an entry in ClinVar:

ClinVar aggregate classification (germline): Pathogenic (1 of 4 stars; one submission).

Conditions:
UBE3A-related disorder. Also called: UBE3A-related condition.

Submission:

PreventionGenetics, part of Exact Sciences
Classification: Pathogenic for UBE3A-related condition. Last evaluated: 2023-06-22. Review status: criteria provided, single submitter. Criteria: ACMG Guidelines, 2015. Collection method: clinical testing. Allele origin: germline.
Comment: The UBE3A c.2455_2458dupACTT variant is predicted to result in a frameshift and premature protein termination (p.Cys820Tyrfs*4). To our knowledge, this variant has not been reported in the literature or in a large population database, indicating this variant is rare. Frameshift variants in UBE3A are expected to be pathogenic. This variant is interpreted as pathogenic.

NM_130839.5(UBE3A):c.2515_2518dup (p.Cys840fs)

Genes: SNHG14 (small nucleolar RNA host gene 14; plus strand), UBE3A (ubiquitin protein ligase E3A; minus strand). Cytogenetic location: 15q11.2.
Variant type: Duplication.
Coding change: c.2515_2518dup on transcript NM_130839.5 (MANE Select); coding-DNA positions 2515 to 2518, 4 bases duplicated (ACTT; older notation c.2515_2518dupACTT).
Protein change: p.Cys840fs; shifts the reading frame from cysteine 840.
Molecular consequence: frameshift variant. On other transcripts: non-coding transcript variant (1).
Genome position (GRCh38, 1-based): chr15:25,339,238-25,339,241, AAGT duplicated on the plus strand (ACTT on the coding strand, the reverse complement: UBE3A is on the minus strand); duplicating any 4 consecutive bases within chr15:25,339,238-25,339,242 gives the same sequence; the c. name uses the placement nearest the transcript's 3' end. VCF-style (leftmost placement, unchanged base first): chr15-25339237-C-CAAGT. GRCh37 (hg19) VCF-style: chr15-25584384-C-CAAGT.
Other names: c.2455_2458dup, p.Cys820fs (NM_001354523.2, NM_001354526.1, NM_001354539.2 and 14 more transcripts); c.2515_2518dup, p.Cys840fs (NM_001354538.2, NM_001354505.1); c.2359_2362dup, p.Cys788fs (NM_001354545.2); c.2338_2341dup, p.Cys781fs (NM_001354546.2); c.2299_2302dup, p.Cys768fs (NM_001354547.2, NM_001354548.2); c.2290_2293dup, p.Cys765fs (NM_001354549.2); c.1264_1267dup, p.Cys423fs (NM_001354550.2); c.1204_1207dup, p.Cys403fs (NM_001354551.2); and 2 more; short protein forms C403fs, C423fs, C765fs, C768fs, C781fs, C788fs, C820fs, C840fs.
Identifiers: ClinVar variation 2632630 (VCV002632630.1), dbSNP rs2552181706, ClinGen allele CA2695197226.